The following is an entry in ClinVar:

ClinVar aggregate classification (germline): Uncertain significance (1 of 4 stars; one submission).

Allele frequency attached by ClinVar (database versions not stated): gnomAD exomes below 0.00001; TOPMed below 0.00001.
gnomAD v4.1: 5 of 1,606,968 alleles (0.00031%); highest among the groups gnomAD compares: East Asian, 0.0022%; no homozygotes.

Submission:

Labcorp Genetics (formerly Invitae), Labcorp
Classification: Uncertain significance. Last evaluated: 2024-10-16. Review status: criteria provided, single submitter. Criteria: Invitae Variant Classification Sherloc (09022015). Collection method: clinical testing. Allele origin: germline.
Comment: This sequence change falls in intron 15 of the EFTUD2 gene. It does not directly change the encoded amino acid sequence of the EFTUD2 protein. It affects a nucleotide within the consensus splice site. This variant is not present in population databases (gnomAD no frequency). This variant has not been reported in the literature in individuals affected with EFTUD2-related conditions. ClinVar contains an entry for this variant (Variation ID: 1980472). Variants that disrupt the consensus splice site are a relatively common cause of aberrant splicing (PMID: 17576681, 9536098). Algorithms developed to predict the effect of sequence changes on RNA splicing suggest that this variant is not likely to affect RNA splicing. In summary, the available evidence is currently insufficient to determine the role of this variant in disease. Therefore, it has been classified as a Variant of Uncertain Significance.

Literature cited by the submitters: PubMed 17576681; PubMed 9536098.

NM_004247.4(EFTUD2):c.1414-3C>T

Gene: EFTUD2 (elongation factor Tu GTP binding domain containing 2; minus strand). Cytogenetic location: 17q21.31.
Variant type: single nucleotide variant.
Coding change: c.1414-3C>T on transcript NM_004247.4 (MANE Select); 3 bases into the intron before coding-DNA position 1414, C replaced by T.
Molecular consequence: intron variant.
Genome position (GRCh38, 1-based): chr17:44,862,909, G>A on the plus strand (C>T on the coding strand, the complement: EFTUD2 is on the minus strand). VCF-style: chr17-44862909-G-A. GRCh37 (hg19) VCF-style: chr17-42940277-G-A.
Other names: c.1309-3C>T (NM_001142605.2); c.1384-3C>T (NM_001258354.2); c.1414-3C>T (NM_001258353.2).
Identifiers: ClinVar variation 1980472 (VCV001980472.4), dbSNP rs2050683188, ClinGen allele CA2261590200.